The following is an entry in ClinVar:

ClinVar aggregate classification (germline): Uncertain significance. Review status: criteria provided, multiple submitters, no conflicts (2 of 4 stars). 3 submissions from 3 submitters: Uncertain significance (3). Last evaluated 2025-09-01.

Conditions:
Inborn genetic diseases. Identifiers: MedGen C0950123, MeSH D030342.

Allele frequency attached by ClinVar (database versions not stated): gnomAD 0.00003; gnomAD exomes 0.00003; ExAC 0.00005; TOPMed 0.00006; 1000 Genomes Project 30x 0.00016; 1000 Genomes Project 0.00020.
gnomAD v4.1: 63 of 1,613,550 alleles (0.0039%); highest among the groups gnomAD compares: Middle Eastern, 0.066%; no homozygotes.

Submissions (3):

CeGaT Center for Human Genetics Tuebingen
Classification: Uncertain significance. Last evaluated: 2025-09-01. Review status: criteria provided, single submitter. Criteria: CeGaT Center For Human Genetics Tuebingen Variant Classification Criteria Version 2. Collection method: clinical testing. Allele origin: germline. Affected: yes. Observed: 1 variant allele.
Comment: APC2: PM2, BP4

Labcorp Genetics (formerly Invitae), Labcorp
Classification: Uncertain significance. Last evaluated: 2024-10-16. Review status: criteria provided, single submitter. Criteria: Invitae Variant Classification Sherloc (09022015). Collection method: clinical testing. Allele origin: germline.
Comment: This sequence change replaces arginine, which is basic and polar, with glutamine, which is neutral and polar, at codon 455 of the APC2 protein (p.Arg455Gln). This variant is present in population databases (rs185503053, gnomAD 0.008%). This variant has not been reported in the literature in individuals affected with APC2-related conditions. ClinVar contains an entry for this variant (Variation ID: 1513480). Invitae Evidence Modeling of protein sequence and biophysical properties (such as structural, functional, and spatial information, amino acid conservation, physicochemical variation, residue mobility, and thermodynamic stability) indicates that this missense variant is not expected to disrupt APC2 protein function with a negative predictive value of 80%. In summary, the available evidence is currently insufficient to determine the role of this variant in disease. Therefore, it has been classified as a Variant of Uncertain Significance.

Ambry Genetics
Classification: Uncertain significance for Inborn genetic diseases. Last evaluated: 2024-04-01. Review status: criteria provided, single submitter. Criteria: Ambry Variant Classification Scheme 2023. Collection method: clinical testing. Allele origin: germline.

NM_005883.3(APC2):c.1364G>A (p.Arg455Gln)

Gene: APC2 (APC regulator of Wnt signaling pathway 2; plus strand). Cytogenetic location: 19p13.3.
Variant type: single nucleotide variant.
Coding change: c.1364G>A on transcript NM_005883.3 (MANE Select); coding-DNA position 1364, G replaced by A.
Protein change: p.Arg455Gln; replaces arginine 455 with glutamine.
Molecular consequence: missense variant.
Genome position (GRCh38, 1-based): chr19:1,460,241, G>A. VCF-style: chr19-1460241-G-A. GRCh37 (hg19) VCF-style: chr19-1460240-G-A.
Other names: c.1364G>A (NM_005883.2); c.1361G>A, p.Arg454Gln (NM_001351273.1); short protein forms R455Q, R454Q.
Identifiers: ClinVar variation 1513480 (VCV001513480.16), dbSNP rs185503053, ClinGen allele CA9045045.
Genomic context (GRCh38, chr19:1,460,241, plus strand): 5'-GTGGGCTGCAGGCCGTGGCAGAGCTGCTGCAGGTTGACTATGAGATGCACAAGATGACCC[G>A]GGACCCGCTGAACCTGGCGCTGCGCCGCTACGCGGGCATGACCCTCACCAACCTCACCTT-3'
Protein context (NP_005874.1, residues 445-465): QVDYEMHKMT[Arg455Gln]DPLNLALRRY